The following is an entry in ClinVar:

ClinVar aggregate classification (germline): Conflicting classifications of pathogenicity. Review status: criteria provided, conflicting classifications (1 of 4 stars). 4 submissions from 4 submitters: Uncertain significance (3); Likely benign (1). Last evaluated 2025-01-06.

Conditions:
Familial sleep-related hypermotor epilepsy. Also called: Autosomal Dominant Sleep-Related Hypermotor (Hyperkinetic) Epilepsy. Identifiers: Orphanet 98784, MedGen C3696898, MONDO:0000030.
Inborn genetic diseases. Identifiers: MedGen C0950123, MeSH D030342.

Allele frequency attached by ClinVar (database versions not stated): gnomAD 0.00005; TOPMed 0.00006.
gnomAD v4.1: 28 of 1,613,916 alleles (0.0017%); highest among the groups gnomAD compares: African/African-American, 0.0093%; no homozygotes.

Submissions (4):

Labcorp Genetics (formerly Invitae), Labcorp
Classification: Uncertain significance. Last evaluated: 2025-01-06. Review status: criteria provided, single submitter. Criteria: Invitae Variant Classification Sherloc (09022015). Collection method: clinical testing. Allele origin: germline.
Comment: This sequence change affects codon 488 of the CHRNA2 mRNA. It is a 'silent' change, meaning that it does not change the encoded amino acid sequence of the CHRNA2 protein. This variant also falls at the last nucleotide of exon 6, which is part of the consensus splice site for this exon. This variant is present in population databases (rs796052305, gnomAD 0.01%). This variant has not been reported in the literature in individuals affected with CHRNA2-related conditions. ClinVar contains an entry for this variant (Variation ID: 204975). Variants that disrupt the consensus splice site are a relatively common cause of aberrant splicing (PMID: 17576681, 9536098). Algorithms developed to predict the effect of sequence changes on RNA splicing suggest that this variant may disrupt the consensus splice site. In summary, the available evidence is currently insufficient to determine the role of this variant in disease. Therefore, it has been classified as a Variant of Uncertain Significance.

Ambry Genetics
Classification: Likely benign for Inborn genetic diseases. Last evaluated: 2022-03-28. Review status: criteria provided, single submitter. Criteria: Ambry Variant Classification Scheme 2023. Collection method: clinical testing. Allele origin: germline.

Athena Diagnostics
Classification: Uncertain significance. Last evaluated: 2020-03-10. Review status: criteria provided, single submitter. Criteria: Athena Diagnostics Criteria. Collection method: clinical testing. Allele origin: unknown.

GeneDx
Classification: Uncertain significance. Last evaluated: 2012-08-31. Review status: criteria provided, single submitter. Criteria: GeneDx Variant Classification (06012015). Collection method: clinical testing. Allele origin: germline. Affected: yes.
Comment: p.Ser488Ser (TCG>TCA):c.1464 G>A in exon 6 of the CHRNA2 gene (NM_000742.3). The c.1464 G>A nucleotide substitution has not been published as a mutation, nor has it been reported as a benign polymorphism to our knowledge. The NHLBI ESP Exome Variant Project did not identify c.1464 G>A in approximately 6500 individuals of European or African American ethnicity, indicating that it is not a common benign variant in these populations. The c.1464 G>A substitution alters the last nucleotide position in exon 6, and multiple in silico models predict that it may damage or even destroy donor site the natural splice donor site at the exon 6/intron 6 boundary, possibly leading to abnormal splicing. However, in the absence of RNA/functional studies, the actual effect of the c.1464 G>A sequence change in vivo is unknown. The variant is found in EPILEPSY panel(s).

Literature cited by the submitters: PubMed 17576681 (cited by Labcorp Genetics (formerly Invitae), Labcorp); PubMed 9536098 (cited by Labcorp Genetics (formerly Invitae), Labcorp).

NM_000742.4(CHRNA2):c.1464G>A (p.Ser488=)

Gene: CHRNA2 (cholinergic receptor nicotinic alpha 2 subunit; minus strand). Cytogenetic location: 8p21.2.
Variant type: single nucleotide variant.
Coding change: c.1464G>A on transcript NM_000742.4 (MANE Select); coding-DNA position 1464, G replaced by A.
Protein change: p.Ser488=; no amino-acid change (serine 488 retained).
Molecular consequence: synonymous variant.
Genome position (GRCh38, 1-based): chr8:27,462,979, C>T on the plus strand (G>A on the coding strand, the complement: CHRNA2 is on the minus strand). VCF-style: chr8-27462979-C-T. GRCh37 (hg19) VCF-style: chr8-27320496-C-T.
Other names: p.S488S:TCG>TCA; c.1419G>A, p.Ser473= (NM_001282455.2); c.987G>A, p.Ser329= (NM_001347705.2, NM_001347706.2); c.870G>A, p.Ser290= (NM_001347707.2, NM_001347708.2).
Identifiers: ClinVar variation 204975 (VCV000204975.8), dbSNP rs796052305, ClinGen allele CA313472.